The following is an entry in ClinVar:

NM_015154.3(MESD):c.418C>T (p.Leu140Phe)

Gene: MESD (mesoderm development LRP chaperone; minus strand). Cytogenetic location: 15q25.1.
Variant type: single nucleotide variant.
Coding change: c.418C>T on transcript NM_015154.3 (MANE Select); coding-DNA position 418, C replaced by T.
Protein change: p.Leu140Phe; replaces leucine 140 with phenylalanine.
Molecular consequence: missense variant. On other transcripts: non-coding transcript variant (1).
Genome position (GRCh38, 1-based): chr15:80,981,978, G>A on the plus strand (C>T on the coding strand, the complement: MESD is on the minus strand). VCF-style: chr15-80981978-G-A. GRCh37 (hg19) VCF-style: chr15-81274319-G-A.
Other names: short protein forms L140F.
Identifiers: ClinVar variation 4987057 (VCV004987057.1).
Genomic context (GRCh38, chr15:80,981,978, plus strand): 5'-ATGAGTCTCTCAGCTGGTTGTTGCTGCTTTACCTCTGGACGTCATAGTTGGCATTGAAAA[G>A]GCTGCCCTGCCAGAGGCTCGTAATTTCCTCTGTCTCCTTCTCAGTAGGGCTTCCTGATAC-3'
Protein context (NP_055969.1, residues 130-150): EEITSLWQGS[Leu140Phe]FNANYDVQRF

ClinVar aggregate classification (germline): Uncertain significance (1 of 4 stars; one submission).

Conditions:
MESD-related disorder. Also called: MESD-related condition.

gnomAD v4.1: 399 of 1,614,124 alleles (0.025%); highest among the groups gnomAD compares: Admixed American, 0.055%; no homozygotes.

Submission:

PreventionGenetics, part of Exact Sciences
Classification: Uncertain significance for MESD-related condition. Last evaluated: 2026-01-13. Review status: criteria provided, single submitter. Criteria: ACMG Guidelines, 2015. Collection method: clinical testing. Allele origin: germline.
Comment: The MESD c.418C>T variant is predicted to result in the amino acid substitution p.Leu140Phe. To our knowledge, this variant has not been reported in the literature. This variant is reported in 0.071% of alleles in individuals of Latino descent in gnomAD. Although we suspect that this variant may be benign, at this time, the clinical significance of this variant is uncertain due to the absence of conclusive functional and genetic evidence.